The following is an entry in ClinVar:

ClinVar aggregate classification (germline): Benign/Likely benign. Review status: criteria provided, multiple submitters, no conflicts (2 of 4 stars). 3 submissions from 3 submitters: Benign (1); Likely benign (2). Last evaluated 2025-02-14.

Conditions:
Hereditary cancer-predisposing syndrome. Also called: Neoplastic Syndromes, Hereditary; Tumor predisposition; Hereditary Cancer Syndrome; Hereditary neoplastic syndrome. Identifiers: Orphanet 140162, MedGen C0027672, MeSH D009386, MONDO:0015356.
Fanconi anemia complementation group O. Also called: RAD51C-Related Fanconi Anemia. Identifiers: Orphanet 84, MedGen C3150653, MONDO:0013248, OMIM 613390.
Breast-ovarian cancer, familial, susceptibility to, 3. Also called: RAD51C-Related Breast/Ovarian Cancer. Identifiers: Orphanet 145, MedGen C3150659, MONDO:0013253, OMIM 613399.

Allele frequency attached by ClinVar (database versions not stated): ExAC 0.00001.

Submissions (3):

Myriad Genetics, Inc.
Classification: Benign for Breast-ovarian cancer, familial, susceptibility to, 3. Last evaluated: 2025-02-14. Review status: criteria provided, single submitter. Criteria: Myriad Autosomal Dominant, Autosomal Recessive and X-Linked Classification Criteria (2023). Collection method: clinical testing. Allele origin: unknown.
Comment: This variant is considered benign. This variant is a silent/synonymous amino acid change and it is not expected to impact splicing.

Labcorp Genetics (formerly Invitae), Labcorp
Classification: Likely benign for Fanconi anemia complementation group O. Last evaluated: 2024-12-20. Review status: criteria provided, single submitter. Criteria: Invitae Variant Classification Sherloc (09022015). Collection method: clinical testing. Allele origin: germline.

Ambry Genetics
Classification: Likely benign for Hereditary cancer-predisposing syndrome. Last evaluated: 2019-10-10. Review status: criteria provided, single submitter. Criteria: Ambry Variant Classification Scheme 2023. Collection method: clinical testing. Allele origin: germline.

NM_058216.3(RAD51C):c.375T>C (p.Gly125=)

Gene: RAD51C (RAD51 paralog C; plus strand). Cytogenetic location: 17q22.
Variant type: single nucleotide variant.
Coding change: c.375T>C on transcript NM_058216.3 (MANE Select); coding-DNA position 375, T replaced by C.
Protein change: p.Gly125=; no amino-acid change (glycine 125 retained).
Molecular consequence: synonymous variant. On other transcripts: non-coding transcript variant (2).
Genome position (GRCh38, 1-based): chr17:58,695,160, T>C. VCF-style: chr17-58695160-T-C. GRCh37 (hg19) VCF-style: chr17-56772521-T-C.
Other names: c.375T>C, p.Gly125= (NM_002876.4, NM_058217.1).
Identifiers: ClinVar variation 1734664 (VCV001734664.8), dbSNP rs747727352, ClinGen allele CA8677202.